The following is an entry in ClinVar:

NM_198506.5(LRIT3):c.919G>A (p.Gly307Arg)

Gene: LRIT3 (leucine rich repeat, Ig-like and transmembrane domains 3; plus strand). Cytogenetic location: 4q25.
Variant type: single nucleotide variant.
Coding change: c.919G>A on transcript NM_198506.5 (MANE Select); coding-DNA position 919, G replaced by A.
Protein change: p.Gly307Arg; replaces glycine 307 with arginine.
Molecular consequence: missense variant.
Genome position (GRCh38, 1-based): chr4:109,869,668, G>A. VCF-style: chr4-109869668-G-A. GRCh37 (hg19) VCF-style: chr4-110790824-G-A.
Other names: c.784G>A (NM_198506.2); short protein forms G307R.
Identifiers: ClinVar variation 899795 (VCV000899795.12), dbSNP rs145061437, ClinGen allele CA3043098.

ClinVar aggregate classification (germline): Uncertain significance. Review status: criteria provided, multiple submitters, no conflicts (2 of 4 stars). 4 submissions from 4 submitters: Uncertain significance (4). Last evaluated 2025-11-06.

Conditions:
Inborn genetic diseases. Identifiers: MedGen C0950123, MeSH D030342.
Congenital stationary night blindness 1F. Also called: Night blindness, congenital stationary (complete), 1F, autosomal recessive. Identifiers: Orphanet 215, MedGen C3554399, MONDO:0014026, OMIM 615058.

Allele frequency attached by ClinVar (database versions not stated): ExAC 0.00004; gnomAD exomes 0.00005 and 0.00019; gnomAD 0.00006 and 0.00007; TOPMed 0.00007; ESP Exome Variant Server 0.00023.
gnomAD v4.1: 272 of 1,550,254 alleles (0.018%); highest among the groups gnomAD compares: Non-Finnish European, 0.023%; no homozygotes.

Submissions (4):

Ambry Genetics
Classification: Uncertain significance for Inborn genetic diseases. Last evaluated: 2025-11-06. Review status: criteria provided, single submitter. Criteria: Ambry Variant Classification Scheme 2023. Collection method: clinical testing. Allele origin: germline.

Blueprint Genetics
Classification: Uncertain significance. Last evaluated: 2024-08-12. Review status: criteria provided, single submitter. Criteria: ACMG Guidelines, 2015. Collection method: clinical testing. Allele origin: germline.

Labcorp Genetics (formerly Invitae), Labcorp
Classification: Uncertain significance. Last evaluated: 2023-11-27. Review status: criteria provided, single submitter. Criteria: Invitae Variant Classification Sherloc (09022015). Collection method: clinical testing. Allele origin: germline.
Comment: This sequence change replaces glycine, which is neutral and non-polar, with arginine, which is basic and polar, at codon 307 of the LRIT3 protein (p.Gly307Arg). This variant is present in population databases (rs145061437, gnomAD 0.01%). This variant has not been reported in the literature in individuals affected with LRIT3-related conditions. ClinVar contains an entry for this variant (Variation ID: 899795). An algorithm developed to predict the effect of missense changes on protein structure and function (PolyPhen-2) suggests that this variant is likely to be disruptive. In summary, the available evidence is currently insufficient to determine the role of this variant in disease. Therefore, it has been classified as a Variant of Uncertain Significance.

Illumina Laboratory Services, Illumina
Classification: Uncertain significance for Congenital stationary night blindness 1F. Last evaluated: 2018-01-13. Review status: criteria provided, single submitter. Criteria: ICSL Variant Classification Criteria 13 December 2019. Collection method: clinical testing. Allele origin: germline.